The following is an entry in ClinVar:

NM_172107.4(KCNQ2):c.449G>A (p.Cys150Tyr)

Gene: KCNQ2 (potassium voltage-gated channel subfamily Q member 2; minus strand). Cytogenetic location: 20q13.33.
Variant type: single nucleotide variant.
Coding change: c.449G>A on transcript NM_172107.4 (MANE Select); coding-DNA position 449, G replaced by A.
Protein change: p.Cys150Tyr; replaces cysteine 150 with tyrosine.
Molecular consequence: missense variant.
Genome position (GRCh38, 1-based): chr20:63,445,303, C>T on the plus strand (G>A on the coding strand, the complement: KCNQ2 is on the minus strand). VCF-style: chr20-63445303-C-T. GRCh37 (hg19) VCF-style: chr20-62076656-C-T.
Other names: c.449G>A, p.Cys150Tyr (NM_001382235.1, NM_004518.6, NM_172106.3 and 2 more transcripts); short protein forms C150Y.
Identifiers: ClinVar variation 2755247 (VCV002755247.3), dbSNP rs758887918, ClinGen allele CA9958814.

ClinVar aggregate classification (germline): Uncertain significance (1 of 4 stars; one submission).

Conditions:
Early-infantile DEE. Also called: Ohtahara syndrome; Early infantile epileptic encephalopathy; Early infantile epileptic encephalopathy with suppression bursts. Identifiers: Orphanet 1934, MedGen C0393706, MONDO:0800491.

Allele frequency attached by ClinVar (database versions not stated): ExAC 0.00001.
gnomAD v4.1: 1 of 1,613,820 alleles (0.000062%); highest among the groups gnomAD compares: Non-Finnish European, 0.000085%; no homozygotes.

Submission:

Labcorp Genetics (formerly Invitae), Labcorp
Classification: Uncertain significance for Early-infantile DEE. Last evaluated: 2023-11-13. Review status: criteria provided, single submitter. Criteria: Invitae Variant Classification Sherloc (09022015). Collection method: clinical testing. Allele origin: germline.
Comment: This sequence change replaces cysteine, which is neutral and slightly polar, with tyrosine, which is neutral and polar, at codon 150 of the KCNQ2 protein (p.Cys150Tyr). This variant is present in population databases (rs758887918, gnomAD 0.0009%). This variant has not been reported in the literature in individuals affected with KCNQ2-related conditions. Advanced modeling of protein sequence and biophysical properties (such as structural, functional, and spatial information, amino acid conservation, physicochemical variation, residue mobility, and thermodynamic stability) performed at Invitae indicates that this missense variant is expected to disrupt KCNQ2 protein function with a positive predictive value of 95%. In summary, the available evidence is currently insufficient to determine the role of this variant in disease. Therefore, it has been classified as a Variant of Uncertain Significance.